The following is an entry in ClinVar:

ClinVar aggregate classification (germline): Uncertain significance (1 of 4 stars; one submission).

Submission:

Labcorp Genetics (formerly Invitae), Labcorp
Classification: Uncertain significance. Last evaluated: 2021-02-17. Review status: criteria provided, single submitter. Criteria: Invitae Variant Classification Sherloc (09022015). Collection method: clinical testing. Allele origin: germline.
Comment: This sequence change replaces proline with threonine at codon 1003 of the PCLO protein (p.Pro1003Thr). The proline residue is weakly conserved and there is a small physicochemical difference between proline and threonine. This variant is not present in population databases (ExAC no frequency). In summary, the available evidence is currently insufficient to determine the role of this variant in disease. Therefore, it has been classified as a Variant of Uncertain Significance. Algorithms developed to predict the effect of missense changes on protein structure and function are either unavailable or do not agree on the potential impact of this missense change (SIFT: "Tolerated"; PolyPhen-2: "Not Available"; Align-GVGD: "Class C0"). This variant has not been reported in the literature in individuals with PCLO-related conditions.

NM_033026.6(PCLO):c.3007C>A (p.Pro1003Thr)

Gene: PCLO (piccolo presynaptic cytomatrix protein; minus strand). Cytogenetic location: 7q21.11.
Variant type: single nucleotide variant.
Coding change: c.3007C>A on transcript NM_033026.6 (MANE Select); coding-DNA position 3007, C replaced by A.
Protein change: p.Pro1003Thr; replaces proline 1003 with threonine.
Molecular consequence: missense variant.
Genome position (GRCh38, 1-based): chr7:83,134,543, G>T on the plus strand (C>A on the coding strand, the complement: PCLO is on the minus strand). VCF-style: chr7-83134543-G-T. GRCh37 (hg19) VCF-style: chr7-82763859-G-T.
Other names: c.3007C>A, p.Pro1003Thr (NM_014510.3); short protein forms P1003T.
Identifiers: ClinVar variation 1371498 (VCV001371498.8), dbSNP rs2116614479, ClinGen allele CA367897992.
Genomic context (GRCh38, chr7:83,134,543, plus strand): 5'-TTTCTGTTCTTTTTACTGTTGGAGCTTGTTCAGCTTTGGGCTCTAATTTTTCAGCTGCTG[G>T]GGCTTTTGTTTCCTTTTTCACAGGTATACTTTTTGCAGGTGCTGGTGGTGCTTGACCTGT-3'
Protein context (NP_149015.2, residues 993-1013): SIPVKKETKA[Pro1003Thr]AAEKLEPKAE